The following is an entry in ClinVar:

NM_001128840.3(CACNA1D):c.558G>C (p.Leu186Phe)

Gene: CACNA1D (calcium voltage-gated channel subunit alpha1 D; plus strand). Cytogenetic location: 3p21.1.
Variant type: single nucleotide variant.
Coding change: c.558G>C on transcript NM_001128840.3 (MANE Select); coding-DNA position 558, G replaced by C.
Protein change: p.Leu186Phe; replaces leucine 186 with phenylalanine.
Molecular consequence: missense variant.
Genome position (GRCh38, 1-based): chr3:53,650,853, G>C. VCF-style: chr3-53650853-G-C. GRCh37 (hg19) VCF-style: chr3-53684880-G-C.
Other names: c.558G>C, p.Leu186Phe (NM_000720.4, NM_001128839.3); short protein forms L186F.
Identifiers: ClinVar variation 1445876 (VCV001445876.6), dbSNP rs759742147, ClinGen allele CA2453704.
Genomic context (GRCh38, chr3:53,650,853, plus strand): 5'-TGCCTTCCTGATTATTTTTACAGTCGAGACATTTTTGAAGATTATAGCGTATGGATTATT[G>C]CTACATCCTAATGCTTATGTTAGGAATGGATGGAATTTACTGGATTTTGTTATAGTAATA-3'
Protein context (NP_001122312.1, residues 176-196): TFLKIIAYGL[Leu186Phe]LHPNAYVRNG

ClinVar aggregate classification (germline): Uncertain significance (1 of 4 stars; one submission).

Allele frequency attached by ClinVar (database versions not stated): gnomAD exomes below 0.00001 and 0.00001; ExAC 0.00001; gnomAD 0.00001.
gnomAD v4.1: 4 of 1,609,594 alleles (0.00025%); highest among the groups gnomAD compares: Admixed American, 0.0067%; no homozygotes.

Submission:

Labcorp Genetics (formerly Invitae), Labcorp
Classification: Uncertain significance. Last evaluated: 2024-02-14. Review status: criteria provided, single submitter. Criteria: Invitae Variant Classification Sherloc (09022015). Collection method: clinical testing. Allele origin: germline.
Comment: This sequence change replaces leucine, which is neutral and non-polar, with phenylalanine, which is neutral and non-polar, at codon 186 of the CACNA1D protein (p.Leu186Phe). This variant is present in population databases (rs759742147, gnomAD 0.003%). This variant has not been reported in the literature in individuals affected with CACNA1D-related conditions. ClinVar contains an entry for this variant (Variation ID: 1445876). Advanced modeling of protein sequence and biophysical properties (such as structural, functional, and spatial information, amino acid conservation, physicochemical variation, residue mobility, and thermodynamic stability) performed at Invitae indicates that this missense variant is not expected to disrupt CACNA1D protein function with a negative predictive value of 80%. In summary, the available evidence is currently insufficient to determine the role of this variant in disease. Therefore, it has been classified as a Variant of Uncertain Significance.